The following is an entry in ClinVar:

ClinVar aggregate classification (germline): Pathogenic/Likely pathogenic. Review status: criteria provided, multiple submitters, no conflicts (2 of 4 stars). 2 submissions from 2 submitters: Pathogenic (1); Likely pathogenic (1). Last evaluated 2025-11-10.

Conditions:
Centromeric instability of chromosomes 1,9 and 16 and immunodeficiency (ICF1). Also called: Immunodeficiency-centromeric instability-facial anomalies; CENTROMERIC INSTABILITY, IMMUNODEFICIENCY SYNDROME; IMMUNE DEFICIENCY, VARIABLE, WITH CENTROMERIC INSTABILITY OF CHROMOSOMES 1, 9, AND 16; IMMUNODEFICIENCY SYNDROME, VARIABLE. Identifiers: Orphanet 2268, MedGen C0398788, MONDO:0000133.

Allele frequency attached by ClinVar (database versions not stated): gnomAD exomes below 0.00001 and 0.00001; gnomAD 0.00001; TOPMed 0.00002.

Submissions (2):

Labcorp Genetics (formerly Invitae), Labcorp
Classification: Pathogenic for Centromeric instability of chromosomes 1,9 and 16 and immunodeficiency. Last evaluated: 2025-11-10. Review status: criteria provided, single submitter. Criteria: Invitae Variant Classification Sherloc (09022015). Collection method: clinical testing. Allele origin: germline.
Comment: This sequence change replaces aspartic acid, which is acidic and polar, with asparagine, which is neutral and polar, at codon 653 of the DNMT3B protein (p.Asp653Asn). This variant is present in population databases (no rsID available, gnomAD 0.0009%). This missense change has been observed in individual(s) with clinical features of centromeric instability and facial anomalies (ICF) syndrome (internal data). In at least one individual the data is consistent with being in trans (on the opposite chromosome) from a pathogenic variant. ClinVar contains an entry for this variant (Variation ID: 431922). Invitae Evidence Modeling of protein sequence and biophysical properties (such as structural, functional, and spatial information, amino acid conservation, physicochemical variation, residue mobility, and thermodynamic stability) indicates that this missense variant is expected to disrupt DNMT3B protein function with a positive predictive value of 95%. For these reasons, this variant has been classified as Pathogenic.

GeneDx
Classification: Likely pathogenic. Last evaluated: 2015-10-17. Review status: criteria provided, single submitter. Criteria: GeneDx Variant Classification (06012015). Collection method: clinical testing. Allele origin: germline. Affected: yes.
Comment: The D653N variant in the DNMT3B gene has not been published as a pathogenic variant, nor has it been reported as a benign polymorphism to our knowledge. The D653N variant was not observed in approximately 6,500 individuals of European and African American ancestry in the NHLBI Exome Sequencing Project, indicating it is not a common benign variant in these populations. The D653N variant is a semi-conservative amino acid substitution, which may impact secondary protein structure as these residues differ in some properties. This substitution occurs at a position that is conserved across species. In silico analysis is inconsistent in its predictions as to whether or not the variant is damaging to the protein structure/function. The D653N variant is a strong candidate for a pathogenic variant, however the possibility it may be a rare benign variant cannot be excluded.

NM_006892.4(DNMT3B):c.1957G>A (p.Asp653Asn)

Gene: DNMT3B (DNA methyltransferase 3 beta; plus strand). Cytogenetic location: 20q11.21.
Variant type: single nucleotide variant.
Coding change: c.1957G>A on transcript NM_006892.4 (MANE Select); coding-DNA position 1957, G replaced by A.
Protein change: p.Asp653Asn; replaces aspartic acid 653 with asparagine.
Molecular consequence: missense variant.
Genome position (GRCh38, 1-based): chr20:32,800,886, G>A. VCF-style: chr20-32800886-G-A. GRCh37 (hg19) VCF-style: chr20-31388692-G-A.
Other names: c.1771G>A, p.Asp591Asn (NM_001207055.2); c.1669G>A, p.Asp557Asn (NM_001207056.2); c.1897G>A, p.Asp633Asn (NM_175848.2, NM_175849.2); c.1933G>A, p.Asp645Asn (NM_175850.3); short protein forms D653N, D557N, D591N, D633N, D645N.
Identifiers: ClinVar variation 431922 (VCV000431922.11), dbSNP rs1438362757, ClinGen allele CA408588961.